The following is an entry in ClinVar:

ClinVar aggregate classification (germline): Conflicting classifications of pathogenicity. Review status: criteria provided, conflicting classifications (1 of 4 stars). 4 submissions from 4 submitters: Likely pathogenic (1); Uncertain significance (3). Last evaluated 2026-09-08.

Conditions:
GNE myopathy (NM). Also called: NONAKA DISTAL MYOPATHY; INCLUSION BODY MYOPATHY, HEREDITARY, AUTOSOMAL RECESSIVE; INCLUSION BODY MYOPATHY 2, AUTOSOMAL RECESSIVE; MYOPATHY, DISTAL, WITH OR WITHOUT RIMMED VACUOLES; IBM 2; Inclusion body myopathy autosomal recessive. Identifiers: Orphanet 602, MedGen C1853926, MONDO:0011603, OMIM 605820.
Sialuria. Also called: SIALURIA, FRENCH TYPE; Sialic Acid Storage Disease. Identifiers: Orphanet 3166, MedGen C0342853, MONDO:0010028, OMIM 269921.

Allele frequency attached by ClinVar (database versions not stated): gnomAD exomes below 0.00001.
gnomAD v4.1: 4 of 1,613,572 alleles (0.00025%); highest among the groups gnomAD compares: Admixed American, 0.0017%; no homozygotes.

Submissions (4):

Myriad Genetics, Inc.
Classification: Uncertain significance for GNE myopathy. Last evaluated: 2026-09-08. Review status: criteria provided, single submitter. Criteria: Myriad Autosomal Dominant, Autosomal Recessive and X-Linked Classification Criteria (2023). Collection method: clinical testing. Allele origin: unknown.
Comment: NM_001128227.2(GNE):c.1055G>A(R352H) is a missense variant classified as a variant of uncertain significance in the context of GNE myopathy. R352H has been observed in cases with relevant disease (PMID: 39332896, 35438352). Relevant functional assessments of this variant are not available in the literature. Internal structural analysis of the variant is supportive of pathogenicity. R352H has been observed in referenced population frequency databases. In summary, there is insufficient evidence to classify NM_001128227.2(GNE):c.1055G>A(R352H) as pathogenic or benign. Please note: this variant was assessed in the context of healthy population screening.

Natera, Inc.
Classification: Likely pathogenic for Nonaka myopathy. Last evaluated: 2025-08-06. Review status: criteria provided, single submitter. Criteria: Natera Variant Classification Schema (03/2026). Collection method: clinical testing. Allele origin: germline.
Comment: The c.1055G>A variant in GNE is a missense variant predicted to cause substitution of arginine to histidine at amino acid 352. This variant is rare in the general population with a frequency below the threshold expected for the associated phenotype(s). This variant has been observed in one or more individuals affected with the associated recessive disease, as either homozygous or compound heterozygous with a second variant (PMID: 39332896). A different variant at the same position has been determined to be Pathogenic or Likely Pathogenic. Computational prediction algorithms indicate this variant is likely to affect gene or protein function. Given the available evidence, this variant is classified as Likely Pathogenic.

Labcorp Genetics (formerly Invitae), Labcorp
Classification: Uncertain significance for Sialuria; GNE myopathy. Last evaluated: 2025-02-13. Review status: criteria provided, single submitter. Criteria: Invitae Variant Classification Sherloc (09022015). Collection method: clinical testing. Allele origin: germline.
Comment: This sequence change replaces arginine, which is basic and polar, with histidine, which is basic and polar, at codon 352 of the GNE protein (p.Arg352His). This variant is present in population databases (no rsID available, gnomAD 0.003%). This missense change has been observed in individual(s) with GNE-related myopathy (PMID: 35438352). ClinVar contains an entry for this variant (Variation ID: 2432221). Invitae Evidence Modeling of protein sequence and biophysical properties (such as structural, functional, and spatial information, amino acid conservation, physicochemical variation, residue mobility, and thermodynamic stability) has been performed for this missense variant. However, the output from this modeling did not meet the statistical confidence thresholds required to predict the impact of this variant on GNE protein function. In summary, the available evidence is currently insufficient to determine the role of this variant in disease. Therefore, it has been classified as a Variant of Uncertain Significance.

Revvity Omics, Revvity
Classification: Uncertain significance. Last evaluated: 2022-05-18. Review status: criteria provided, single submitter. Criteria: ACMG Guidelines, 2015. Collection method: clinical testing. Allele origin: germline.

Literature cited by the submitters: PubMed 35438352 (cited by Myriad Genetics, Inc. and Labcorp Genetics (formerly Invitae), Labcorp); PubMed 39332896 (cited by Myriad Genetics, Inc. and Natera, Inc.).

NM_005476.7(GNE):c.962G>A (p.Arg321His)

Gene: GNE (glucosamine (UDP-N-acetyl)-2-epimerase/N-acetylmannosamine kinase; minus strand). Cytogenetic location: 9p13.3.
Variant type: single nucleotide variant.
Coding change: c.962G>A on transcript NM_005476.7 (MANE Select); coding-DNA position 962, G replaced by A.
Protein change: p.Arg321His; replaces arginine 321 with histidine.
Molecular consequence: missense variant.
Genome position (GRCh38, 1-based): chr9:36,233,940, C>T on the plus strand (G>A on the coding strand, the complement: GNE is on the minus strand). VCF-style: chr9-36233940-C-T. GRCh37 (hg19) VCF-style: chr9-36233937-C-T.
Other names: c.1055G>A, p.Arg352His (NM_001128227.3); c.962G>A, p.Arg321His (NM_001190383.3); c.632G>A, p.Arg211His (NM_001190384.3); c.785G>A, p.Arg262His (NM_001190388.2, NM_001374798.1); c.809G>A, p.Arg270His (NM_001374797.1); c.1055G>A (NM_001128227.2); short protein forms R211H, R262H, R270H, R321H, R352H.
Identifiers: ClinVar variation 2432221 (VCV002432221.6), dbSNP rs1234658537, ClinGen allele CA373430491.